The following is an entry in ClinVar:

ClinVar aggregate classification (germline): Uncertain significance. Review status: criteria provided, multiple submitters, no conflicts (2 of 4 stars). 3 submissions from 3 submitters: Uncertain significance (3). Last evaluated 2025-05-15.

Conditions:
Deficiency of 3-hydroxyacyl-CoA dehydrogenase. Also called: HADH DEFICIENCY; 3-hydroxyacyl-CoA dehydrogenase deficiency. Identifiers: Orphanet 309127, Orphanet 71212, MedGen C1291230, MONDO:0017715, OMIM 231530.

Allele frequency attached by ClinVar (database versions not stated): gnomAD 0.00002; ESP Exome Variant Server 0.00008; TOPMed 0.00002; ExAC 0.00003.
gnomAD v4.1: 57 of 1,613,968 alleles (0.0035%); highest among the groups gnomAD compares: Non-Finnish European, 0.0041%; no homozygotes.

Submissions (3):

Dasa
Classification: Uncertain significance. Last evaluated: 2025-05-15. Review status: criteria provided, single submitter. Criteria: DASA Assertion Criteria. Collection method: clinical testing. Allele origin: germline.
Comment: NM_005327.7(HADH):c.311C>T (p.Thr104Met) is a missense variant that results in the substitution of threonine with methionine. This variant is rare in population databases. The currently available literature and clinical evidence are not sufficient to establish a definitive association between this variant and the reported condition. Therefore, this variant is classified as a variant of uncertain significance.

Mayo Clinic Laboratories, Mayo Clinic
Classification: Uncertain significance. Last evaluated: 2025-05-11. Review status: criteria provided, single submitter. Criteria: ACMG Guidelines, 2015. Collection method: clinical testing. Allele origin: germline. Observed: 1 variant allele.

Labcorp Genetics (formerly Invitae), Labcorp
Classification: Uncertain significance for Deficiency of 3-hydroxyacyl-CoA dehydrogenase. Last evaluated: 2022-07-14. Review status: criteria provided, single submitter. Criteria: Invitae Variant Classification Sherloc (09022015). Collection method: clinical testing. Allele origin: germline.
Comment: This sequence change replaces threonine, which is neutral and polar, with methionine, which is neutral and non-polar, at codon 104 of the HADH protein (p.Thr104Met). This variant is present in population databases (rs370013373, gnomAD 0.008%). This variant has not been reported in the literature in individuals affected with HADH-related conditions. Algorithms developed to predict the effect of missense changes on protein structure and function output the following: SIFT: "Deleterious"; PolyPhen-2: "Benign"; Align-GVGD: "Class C15". The methionine amino acid residue is found in multiple mammalian species, which suggests that this missense change does not adversely affect protein function. In summary, the available evidence is currently insufficient to determine the role of this variant in disease. Therefore, it has been classified as a Variant of Uncertain Significance.

NM_005327.7(HADH):c.311C>T (p.Thr104Met)

Gene: HADH (hydroxyacyl-CoA dehydrogenase; plus strand). Cytogenetic location: 4q25.
Variant type: single nucleotide variant.
Coding change: c.311C>T on transcript NM_005327.7 (MANE Select); coding-DNA position 311, C replaced by T.
Protein change: p.Thr104Met; replaces threonine 104 with methionine.
Molecular consequence: missense variant.
Genome position (GRCh38, 1-based): chr4:108,014,480, C>T. VCF-style: chr4-108014480-C-T. GRCh37 (hg19) VCF-style: chr4-108935636-C-T.
Other names: p.Thr104Met; c.311C>T, p.Thr104Met (NM_001184705.4); c.323C>T, p.Thr108Met (NM_001331027.2); c.311C>T (NM_005327.5); short protein forms T108M, T104M.
Identifiers: ClinVar variation 1979721 (VCV001979721.4), dbSNP rs370013373, ClinGen allele CA3037428.